The following is an entry in ClinVar:

NM_000051.4(ATM):c.6347+1G>A

Genes: C11orf65 (chromosome 11 open reading frame 65; minus strand), ATM (ATM serine/threonine kinase; plus strand). Cytogenetic location: 11q22.3.
Variant type: single nucleotide variant.
Coding change: c.6347+1G>A on transcript NM_000051.4 (MANE Select); the canonical splice donor site of the intron after coding-DNA position 6347, G replaced by A.
Molecular consequence: splice donor variant. On other transcripts: intron variant (2).
Genome position (GRCh38, 1-based): chr11:108,317,522, G>A. VCF-style: chr11-108317522-G-A. GRCh37 (hg19) VCF-style: chr11-108188249-G-A.
Other names: c.6347+1G>A (NM_001351834.2); c.641-8451C>T (NM_001330368.2); c.*39-8451C>T (NM_001351110.2).
Identifiers: ClinVar variation 371243 (VCV000371243.21), dbSNP rs1057517120, ClinGen allele CA16041422.

ClinVar aggregate classification (germline): Pathogenic/Likely pathogenic. Review status: criteria provided, multiple submitters, no conflicts (2 of 4 stars). 8 submissions from 8 submitters: Pathogenic (5); Likely pathogenic (2). 1 of the submissions does not count toward it. Last evaluated 2025-06-15.

Conditions:
Hereditary cancer-predisposing syndrome. Also called: Neoplastic Syndromes, Hereditary; Hereditary neoplastic syndrome; Hereditary Cancer Syndrome; Tumor predisposition. Identifiers: Orphanet 140162, MedGen C0027672, MeSH D009386, MONDO:0015356.
Ataxia-telangiectasia syndrome (AT). Also called: Ataxia-telangiectasia, complementation group D; Ataxia-telangiectasia, complementation group E; LOUIS-BAR SYNDROME; AT, COMPLEMENTATION GROUP C; ATAXIA-TELANGIECTASIA, COMPLEMENTATION GROUP A; ATAXIA-TELANGIECTASIA, FRESNO VARIANT. Identifiers: Orphanet 100, MedGen C0004135, MONDO:0008840, OMIM 208900.
Familial cancer of breast. Also called: hereditary breast carcinoma; Hereditary breast cancer; BREAST CANCER, FAMILIAL. Identifiers: Orphanet 227535, MedGen C0346153, MONDO:0016419, OMIM 114480. Disease mechanism: loss of function.

Allele frequency attached by ClinVar (database versions not stated): TOPMed below 0.00001; gnomAD 0.00001.
gnomAD v4.1: 1 of 1,593,860 alleles (0.000063%); highest among the groups gnomAD compares: East Asian, 0.0023%; no homozygotes.

Submissions (8):

Labcorp Genetics (formerly Invitae), Labcorp
Classification: Pathogenic for Ataxia-telangiectasia syndrome. Last evaluated: 2025-06-15. Review status: criteria provided, single submitter. Criteria: Invitae Variant Classification Sherloc (09022015). Collection method: clinical testing. Allele origin: germline.
Comment: This sequence change affects a donor splice site in intron 43 of the ATM gene. RNA analysis indicates that disruption of this splice site induces altered splicing and may result in an absent or altered protein product. This variant is present in population databases (no rsID available, gnomAD 0.06%). Disruption of this splice site has been observed in individual(s) with clinical features of ataxia-telangiectasia (PMID: 10330348). This variant is also known as IVS45+1G>A. ClinVar contains an entry for this variant (Variation ID: 371243). Studies have shown that disruption of this splice site results in skipping of exons 43-45 or intron retention, and produces a non-functional protein and/or introduces a premature termination codon (PMID: 10330348; internal data). For these reasons, this variant has been classified as Pathogenic.

GeneDx
Classification: Pathogenic. Last evaluated: 2025-02-11. Review status: criteria provided, single submitter. Criteria: GeneDx Variant Classification Process June 2021. Collection method: clinical testing. Allele origin: germline. Affected: yes.
Comment: Canonical splice site variant demonstrated to result in a null allele in a gene for which loss of function is a known mechanism of disease (PMID: 10330348); Observed in apparent homozygous state in at least one patient with clinical features of ataxia telangiectasia in the literature and not observed in homozygous state in controls (PMID: 10330348, 36801247); Observed in individuals with a personal and/or family history of prostate, breast, and other cancers (PMID: 36974724); Not observed at significant frequency in large population cohorts (gnomAD); This variant is associated with the following publications: (PMID: 25525159, 10330348, 36801247, 36974724)

Ambry Genetics
Classification: Pathogenic for Hereditary cancer-predisposing syndrome. Last evaluated: 2024-03-29. Review status: criteria provided, single submitter. Criteria: Ambry Variant Classification Scheme 2023. Collection method: clinical testing. Allele origin: germline.
Comment: The c.6347+1G>A intronic pathogenic mutation results from a G to A substitution one nucleotide after coding exon 42 of the ATM gene. This alteration has been identified in the homozygous state in an individual diagnosed with ataxia-telangiectasia (AT) and was reported to cause abnormal splicing (Teraoka SN et al. Am J Hum Genet, 1999 Jun;64:1617-31). Alterations that disrupt the canonical splice site are expected to cause aberrant splicing, resulting in an abnormal protein or a transcript that is subject to nonsense-mediated mRNA decay. Based on the supporting evidence, this alteration is interpreted as a disease-causing mutation.

Myriad Genetics, Inc.
Classification: Likely pathogenic for Familial cancer of breast. Last evaluated: 2024-01-29. Review status: criteria provided, single submitter. Criteria: Myriad Autosomal Dominant, Autosomal Recessive and X-Linked Classification Criteria (2023). Collection method: clinical testing. Allele origin: unknown.
Comment: This variant is considered likely pathogenic. This variant occurs within a consensus splice junction and is predicted to result in abnormal mRNA splicing of either an out-of-frame exon or an in-frame exon necessary for protein stability and/or normal function.

Color Diagnostics, LLC DBA Color Health
Classification: Likely pathogenic for Hereditary cancer-predisposing syndrome. Last evaluated: 2021-05-07. Review status: criteria provided, single submitter. Criteria: ACMG Guidelines, 2015. Collection method: clinical testing. Allele origin: germline.
Comment: This variant causes a G to A nucleotide substitution at the +1 position of intron 43 of the ATM gene. Splice site prediction tools predict that this variant may have a significant impact on RNA splicing. An RNA study has reported that this variant leads to the production of multiple abnormal RNA transcripts (PMID: 10330348). Cells derived from the homozygous carrier have shown no detectable ATM protein (PMID: 10330348). This variant has been reported in the homozygous state in an individual affected with ataxia telangiectasia (PMID: 10330348). This variant has been identified in 1/28684 chromosomes in the general population by the Genome Aggregation Database (gnomAD). Loss of ATM function is a known mechanism of disease. Based on the available evidence, this variant is classified as Likely Pathogenic.

Women's Health and Genetics/Laboratory Corporation of America, LabCorp
Classification: Pathogenic for Ataxia-telangiectasia syndrome. Last evaluated: 2021-04-28. Review status: criteria provided, single submitter. Criteria: LabCorp Variant Classification Summary - May 2015. Collection method: clinical testing. Allele origin: germline.
Comment: Variant summary: ATM c.6347+1G>A is located in a canonical splice-site and is predicted to affect mRNA splicing resulting in a significantly altered protein due to either exon skipping, shortening, or inclusion of intronic material. Several computational tools predict a significant impact on normal splicing: Four predict the variant abolishes a 5 splicing donor site. At least one publication reports experimental evidence that this variant affects mRNA splicing and resulted in the production of multiple incorrectly spliced transcripts identified in cDNA (Teraoka_1999). The variant allele was found at a frequency of 5.5e-05 in 36660 control chromosomes (gnomAD and publication data). c.6347+1G>A has been reported in the literature in one homozygous individual affected with Ataxia-Telangiectasia (Teraoka_1999). These data indicate that the variant may be associated with disease. Three ClinVar submitters (evaluation after 2014) cite the variant as pathogenic (n=1) and likely pathogenic (n=2). Based on the evidence outlined above, the variant was classified as pathogenic.

Neuberg Centre For Genomic Medicine, NCGM
Classification: Pathogenic for Ataxia-telangiectasia syndrome. Review status: criteria provided, single submitter. Criteria: ACMG Guidelines, 2015. Collection method: clinical testing. Allele origin: germline. Affected: yes.
Comment: The splice donor variant c.6347+1G>A in ATM (NM_000051.4) has been reported previously in an affected patient (Teraoka SN et al). It has been reported to ClinVar as Pathogenic/Likely Pathogenic. The c.6347+1G>A variant is novel (not in any individuals) in gnomAD Exomes and is novel (not in any individuals) in 1000 Genomes. This variant affects an invariant splice nucleotide and hence is predicted to cause protein truncation. Loss of function variants have been previously reported to be disease causing. For these reasons, this variant has been classified as Pathogenic.

Counsyl
Classification: Likely pathogenic for Ataxia-telangiectasia syndrome. Last evaluated: 2016-08-04. Review status: no assertion criteria provided. Collection method: clinical testing. Allele origin: unknown. Not counted in ClinVar's aggregate classification.

Literature cited by the submitters: PubMed 10330348 (cited by 4 submitters); PubMed 14576320 (cited by Women's Health and Genetics/Laboratory Corporation of America, LabCorp); PubMed 30128536 (cited by Women's Health and Genetics/Laboratory Corporation of America, LabCorp).